The following is an entry in ClinVar:

ClinVar aggregate classification (germline): Uncertain significance. Review status: reviewed by expert panel (3 of 4 stars). 4 submissions from 4 submitters: Uncertain significance (1). 3 of the submissions do not count toward it. Last evaluated 2024-11-13.

Conditions:
Hereditary thrombocytopenia and hematologic cancer predisposition syndrome. Identifiers: Orphanet 71290, MedGen CN281654, MONDO:0011071.
Acute myeloid leukemia (AML). Also called: Acute myeloid leukemia, adult; AML adult; Acute non-lymphocytic leukemia; Acute granulocytic leukemia; Leukemia, acute myeloid, somatic; Leukemia, acute myelogenous, somatic. Identifiers: Orphanet 519, MedGen C0023467, MeSH D015470, MONDO:0018874, OMIM 601626, HP:0004808. Disease mechanism: Constitutively activated FLT3.
Hereditary thrombocytopenia and hematological cancer predisposition syndrome associated with RUNX1. Also called: Familial Platelet Disorder with Propensity to Acute Myelogenous Leukemia; Familial thrombocytopenia with propensity to acute myelogenous leukemia; PLATELET DISORDER, ASPIRIN-LIKE; RUNX1 Familial Platelet Disorder with Associated Myeloid Malignancies. Identifiers: Orphanet 71290, MedGen C1832388, MeSH C563324, MONDO:0100083, OMIM 601399.
Inborn genetic diseases. Identifiers: MedGen C0950123, MeSH D030342.

Allele frequency attached by ClinVar (database versions not stated): gnomAD exomes below 0.00001.
gnomAD v4.1: 2 of 1,606,012 alleles (0.00012%); highest among the groups gnomAD compares: Non-Finnish European, 0.00017%; no homozygotes.

Submissions (4):

ClinGen Myeloid Malignancy Variant Curation Expert Panel
Classification: Uncertain significance for Hereditary thrombocytopenia and hematologic cancer predisposition syndrome. Last evaluated: 2024-11-13. Review status: reviewed by expert panel. Criteria: ClinGen MyeloMalig ACMG Specifications v2. Collection method: curation. Allele origin: germline. Inheritance: Autosomal dominant inheritance.
Comment: NM_001754.5(RUNX1):c.766T>C (p.Ser256Pro) is a missense variant which has a REVEL score < 0.50 (0.242) and a SpliceAI score ≤ 0.20 (0.05) (BP4). In summary, the clinical significance of this variant is uncertain. ACMG/AMP criteria applied, as specified by the Myeloid Malignancy Variant Curation Expert Panel for RUNX1: BP4.

Ambry Genetics
Classification: Uncertain significance for Inborn genetic diseases. Last evaluated: 2025-02-19. Review status: criteria provided, single submitter. Criteria: Ambry Variant Classification Scheme 2023. Collection method: clinical testing. Allele origin: germline. Not counted in ClinVar's aggregate classification.
Comment: The p.S256P variant (also known as c.766T>C), located in coding exon 6 of the RUNX1 gene, results from a T to C substitution at nucleotide position 766. The serine at codon 256 is replaced by proline, an amino acid with similar properties. This amino acid position is conserved. In addition, the in silico prediction for this alteration is inconclusive. Based on the available evidence, the clinical significance of this variant remains unclear.

Baylor Genetics
Classification: Uncertain significance for Acute myeloid leukemia. Last evaluated: 2024-02-27. Review status: criteria provided, single submitter. Criteria: ACMG Guidelines, 2015. Collection method: clinical testing. Allele origin: unknown. Not counted in ClinVar's aggregate classification.

Labcorp Genetics (formerly Invitae), Labcorp
Classification: Uncertain significance for Hereditary thrombocytopenia and hematological cancer predisposition syndrome associated with RUNX1. Last evaluated: 2022-02-20. Review status: criteria provided, single submitter. Criteria: Invitae Variant Classification Sherloc (09022015). Collection method: clinical testing. Allele origin: germline. Not counted in ClinVar's aggregate classification.
Comment: This sequence change replaces serine, which is neutral and polar, with proline, which is neutral and non-polar, at codon 256 of the RUNX1 protein (p.Ser256Pro). This variant is not present in population databases (gnomAD no frequency). This variant has not been reported in the literature in individuals affected with RUNX1-related conditions. Algorithms developed to predict the effect of missense changes on protein structure and function (SIFT, PolyPhen-2, Align-GVGD) all suggest that this variant is likely to be tolerated. In summary, the available evidence is currently insufficient to determine the role of this variant in disease. Therefore, it has been classified as a Variant of Uncertain Significance.

NM_001754.5(RUNX1):c.766T>C (p.Ser256Pro)

Gene: RUNX1 (RUNX family transcription factor 1; minus strand). Cytogenetic location: 21q22.12.
Variant type: single nucleotide variant.
Coding change: c.766T>C on transcript NM_001754.5 (MANE Select); coding-DNA position 766, T replaced by C.
Protein change: p.Ser256Pro; replaces serine 256 with proline.
Molecular consequence: missense variant.
Genome position (GRCh38, 1-based): chr21:34,834,449, A>G on the plus strand (T>C on the coding strand, the complement: RUNX1 is on the minus strand). VCF-style: chr21-34834449-A-G. GRCh37 (hg19) VCF-style: chr21-36206746-A-G.
Other names: NM_001754.5(RUNX1):c.766T>C; p.Ser256Pro; c.685T>C, p.Ser229Pro (NM_001001890.3, NM_001122607.2); short protein forms S229P, S256P.
Identifiers: ClinVar variation 2045031 (VCV002045031.7), dbSNP rs2517038352, ClinGen allele CA410206735.
Genomic context (GRCh38, chr21:34,834,449, plus strand): 5'-TGGGCTCCATCTGGTACTTACCCTGCATCTGACTCTGAGGCTGAGGGTTAAAGGCAGTGG[A>G]GTGGTTCAGGGAGGCACGAGGGTTGGGCGTGGGGGCTGGGTGGTGTGGGCTGACCCTCAT-3'
Protein context (NP_001745.2, residues 246-266): TPNPRASLNH[Ser256Pro]TAFNPQPQSQ